The following is an entry in ClinVar:

ClinVar aggregate classification (germline): Pathogenic (1 of 4 stars; one submission).

Conditions:
Early-infantile DEE. Also called: Early infantile epileptic encephalopathy; Early infantile epileptic encephalopathy with suppression bursts; Ohtahara syndrome. Identifiers: Orphanet 1934, MedGen C0393706, MONDO:0800491.

Submission:

Labcorp Genetics (formerly Invitae), Labcorp
Classification: Pathogenic for Early-infantile DEE. Last evaluated: 2023-03-16. Review status: criteria provided, single submitter. Criteria: Invitae Variant Classification Sherloc (09022015). Collection method: clinical testing. Allele origin: germline.
Comment: For these reasons, this variant has been classified as Pathogenic. This premature translational stop signal has been observed in individual(s) with SCN1A-related conditions (PMID: 12821740, 29455050). This variant is not present in population databases (gnomAD no frequency). This sequence change creates a premature translational stop signal (p.Tyr83*) in the SCN1A gene. It is expected to result in an absent or disrupted protein product. Loss-of-function variants in SCN1A are known to be pathogenic (PMID: 17347258, 18930999).

Literature cited by the submitters: PubMed 12821740; PubMed 29455050; PubMed 17347258; PubMed 18930999.

NM_001165963.4(SCN1A):c.249C>G (p.Tyr83Ter)

Gene: SCN1A (sodium voltage-gated channel alpha subunit 1; minus strand). Cytogenetic location: 2q24.3.
Variant type: single nucleotide variant.
Coding change: c.249C>G on transcript NM_001165963.4 (MANE Select); coding-DNA position 249, C replaced by G.
Protein change: p.Tyr83Ter; replaces tyrosine 83 with a stop codon.
Molecular consequence: nonsense. On other transcripts: non-coding transcript variant (1), 5 prime UTR variant (1).
Genome position (GRCh38, 1-based): chr2:166,073,373, G>C on the plus strand (C>G on the coding strand, the complement: SCN1A is on the minus strand). VCF-style: chr2-166073373-G-C. GRCh37 (hg19) VCF-style: chr2-166929883-G-C.
Other names: c.249C>G, p.Tyr83Ter (NM_001165964.3, NM_001202435.3, NM_001353948.2 and 10 more transcripts); c.-2177C>G (NM_001353961.2); short protein forms Y83*.
Identifiers: ClinVar variation 2734320 (VCV002734320.3), dbSNP rs863225031, ClinGen allele CA349242660.